The following is an entry in ClinVar:

ClinVar aggregate classification (germline): Benign/Likely benign. Review status: criteria provided, multiple submitters, no conflicts (2 of 4 stars). 5 submissions from 5 submitters: Benign (2); Likely benign (2). 1 of the submissions does not count toward it. Last evaluated 2026-07-01.

Conditions:
FLNB-related disorder. Also called: FLNB-related condition; FLNB-related disorders. Identifiers: MedGen CN381095.

Allele frequency attached by ClinVar (database versions not stated): gnomAD 0.00018 and 0.00019; gnomAD exomes 0.00018 and 0.00086; TOPMed 0.00045; ExAC 0.00070.
gnomAD v4.1: 286 of 1,614,092 alleles (0.018%); highest among the groups gnomAD compares: Admixed American, 0.42%; 2 homozygotes.

Submissions (5):

CeGaT Center for Human Genetics Tuebingen
Classification: Likely benign. Last evaluated: 2026-07-01. Review status: criteria provided, single submitter. Criteria: CeGaT Center For Human Genetics Tuebingen Variant Classification Criteria Version 2. Collection method: clinical testing. Allele origin: germline. Affected: yes. Observed: 2 variant alleles.
Comment: FLNB: BP4, BP7

Labcorp Genetics (formerly Invitae), Labcorp
Classification: Benign. Last evaluated: 2025-12-28. Review status: criteria provided, single submitter. Criteria: Invitae Variant Classification Sherloc (09022015). Collection method: clinical testing. Allele origin: germline.

GeneDx
Classification: Benign. Last evaluated: 2019-10-07. Review status: criteria provided, single submitter. Criteria: GeneDx Variant Classification Process June 2021. Collection method: clinical testing. Allele origin: germline. Affected: yes.

Eurofins Ntd Llc (ga)
Classification: Likely benign. Last evaluated: 2015-02-19. Review status: criteria provided, single submitter. Criteria: EGL Classification Definitions 2015. Collection method: clinical testing. Allele origin: germline. Observed: 1 variant allele, 1 heterozygote.

PreventionGenetics, part of Exact Sciences
Classification: Likely benign for FLNB-related condition. Last evaluated: 2021-09-10. Review status: no assertion criteria provided. Collection method: clinical testing. Allele origin: germline. Not counted in ClinVar's aggregate classification.
Comment: This variant is classified as likely benign based on ACMG/AMP sequence variant interpretation guidelines (Richards et al. 2015 PMID: 25741868, with internal and published modifications).

NM_001457.4(FLNB):c.5445C>T (p.Tyr1815=)

Gene: FLNB (filamin B; plus strand). Cytogenetic location: 3p14.3.
Variant type: single nucleotide variant.
Coding change: c.5445C>T on transcript NM_001457.4 (MANE Select); coding-DNA position 5445, C replaced by T.
Protein change: p.Tyr1815=; no amino-acid change (tyrosine 1815 retained).
Molecular consequence: synonymous variant.
Genome position (GRCh38, 1-based): chr3:58,145,940, C>T. VCF-style: chr3-58145940-C-T. GRCh37 (hg19) VCF-style: chr3-58131667-C-T.
Other names: c.5538C>T, p.Tyr1846= (NM_001164317.2); c.5412C>T, p.Tyr1804= (NM_001164318.2); c.5373C>T, p.Tyr1791= (NM_001164319.2).
Identifiers: ClinVar variation 196862 (VCV000196862.17), dbSNP rs755702006, ClinGen allele CA202614.
Genomic context (GRCh38, chr3:58,145,940, plus strand): 5'-TTAATGAGCACCAATTTTGTTTGTGTCCTTCGTAAACCCAGAGAGCCCACTCCAGTTCTA[C>T]GTGAACTACCCCAACAGTGGAAGTGTTTCTGCATACGGTCCAGGCCTCGTGTATGGAGTG-3'
Protein context (NP_001448.2, residues 1805-1825): SHIPESPLQF[Tyr1815=]VNYPNSGSVS